The following is an entry in ClinVar:

NM_001378454.1(ALMS1):c.10208C>G (p.Thr3403Ser)

Gene: ALMS1 (ALMS1 centrosome and basal body associated protein; plus strand). Cytogenetic location: 2p13.1.
Variant type: single nucleotide variant.
Coding change: c.10208C>G on transcript NM_001378454.1 (MANE Select); coding-DNA position 10208, C replaced by G.
Protein change: p.Thr3403Ser; replaces threonine 3403 with serine.
Molecular consequence: missense variant.
Genome position (GRCh38, 1-based): chr2:73,557,349, C>G. VCF-style: chr2-73557349-C-G. GRCh37 (hg19) VCF-style: chr2-73784476-C-G.
Other names: c.10211C>G, p.Thr3404Ser (NM_015120.4); short protein forms T3403S, T3404S.
Identifiers: ClinVar variation 1384024 (VCV001384024.6), dbSNP rs1231406875, ClinGen allele CA1714909.

ClinVar aggregate classification (germline): Uncertain significance (1 of 4 stars; one submission).

Conditions:
Alstrom syndrome (ALMS). Identifiers: Orphanet 64, MedGen C0268425, MONDO:0008763, OMIM 203800.

gnomAD v4.1: 4 of 1,614,088 alleles (0.00025%); highest among the groups gnomAD compares: Non-Finnish European, 0.00034%; no homozygotes.

Submission:

Labcorp Genetics (formerly Invitae), Labcorp
Classification: Uncertain significance for Alstrom syndrome. Last evaluated: 2021-10-01. Review status: criteria provided, single submitter. Criteria: Invitae Variant Classification Sherloc (09022015). Collection method: clinical testing. Allele origin: germline.
Comment: In summary, the available evidence is currently insufficient to determine the role of this variant in disease. Therefore, it has been classified as a Variant of Uncertain Significance. Experimental studies and prediction algorithms are not available or were not evaluated, and the functional significance of this variant is currently unknown. This variant has not been reported in the literature in individuals affected with ALMS1-related conditions. This variant is present in population databases (no rsID available, ExAC 0.002%). This sequence change replaces threonine with serine at codon 3404 of the ALMS1 protein (p.Thr3404Ser). The threonine residue is weakly conserved and there is a small physicochemical difference between threonine and serine.